The following is an entry in ClinVar:

ClinVar aggregate classification (germline): Uncertain significance (1 of 4 stars; one submission).

Conditions:
Autosomal dominant limb-girdle muscular dystrophy type 1G (LGMDD3). Also called: Limb-girdle muscular dystrophy, type 1G; MUSCULAR DYSTROPHY, LIMB-GIRDLE, AUTOSOMAL DOMINANT 3. Identifiers: Orphanet 55596, MedGen C1836765, MONDO:0012193, OMIM 609115.

Submission:

Labcorp Genetics (formerly Invitae), Labcorp
Classification: Uncertain significance for Autosomal dominant limb-girdle muscular dystrophy type 1G. Last evaluated: 2023-11-03. Review status: criteria provided, single submitter. Criteria: Invitae Variant Classification Sherloc (09022015). Collection method: clinical testing. Allele origin: germline.
Comment: This variant, c.852_854del, results in the deletion of 1 amino acid(s) of the HNRNPDL protein (p.Glu285del), but otherwise preserves the integrity of the reading frame. This variant is not present in population databases (gnomAD no frequency). This variant has not been reported in the literature in individuals affected with HNRNPDL-related conditions. Experimental studies and prediction algorithms are not available or were not evaluated, and the functional significance of this variant is currently unknown. Algorithms developed to predict the effect of sequence changes on RNA splicing suggest that this variant may disrupt the consensus splice site. In summary, the available evidence is currently insufficient to determine the role of this variant in disease. Therefore, it has been classified as a Variant of Uncertain Significance.

NM_031372.4(HNRNPDL):c.852_854del (p.Glu285del)

Gene: HNRNPDL (heterogeneous nuclear ribonucleoprotein D like; minus strand). Cytogenetic location: 4q21.22.
Variant type: Deletion.
Coding change: c.852_854del on transcript NM_031372.4 (MANE Select); coding-DNA positions 852 to 854, 3 bases deleted (AGA; older notation c.852_854delAGA).
Protein change: p.Glu285del; deletes glutamic acid 285.
Molecular consequence: inframe deletion. On other transcripts: non-coding transcript variant (1).
Genome position (GRCh38, 1-based): chr4:82,427,485-82,427,487, TCT deleted on the plus strand (AGA on the coding strand, the reverse complement: HNRNPDL is on the minus strand); deleting any 3 consecutive bases within chr4:82,427,485-82,427,489 gives the same sequence; the c. name uses the placement nearest the transcript's 3' end. VCF-style (leftmost placement, unchanged base first): chr4-82427484-CTCT-C. GRCh37 (hg19) VCF-style: chr4-83348637-CTCT-C.
Other names: c.852_854del, p.Glu285del (NM_001207000.1); short protein forms E285del.
Identifiers: ClinVar variation 2844258 (VCV002844258.3), dbSNP rs2530014801, ClinGen allele CA2739270119.